The following is an entry in ClinVar:

ClinVar aggregate classification (germline): Uncertain significance (1 of 4 stars; one submission).

Conditions:
Seizures, benign familial infantile, 3 (BFIS3). Also called: Familial neonatal seizures; CONVULSIONS, BENIGN FAMILIAL INFANTILE, 3. Identifiers: Orphanet 140927, Orphanet 306, MedGen C1843140, MONDO:0011904, OMIM 607745.
Developmental and epileptic encephalopathy, 11 (DEE11). Also called: Early infantile epileptic encephalopathy 11. Identifiers: Orphanet 1934, MedGen C3150987, MONDO:0013388, OMIM 613721.

Allele frequency attached by ClinVar (database versions not stated): gnomAD exomes below 0.00001.

Submission:

Labcorp Genetics (formerly Invitae), Labcorp
Classification: Uncertain significance for Seizures, benign familial infantile, 3; Developmental and epileptic encephalopathy, 11. Last evaluated: 2024-05-21. Review status: criteria provided, single submitter. Criteria: Invitae Variant Classification Sherloc (09022015). Collection method: clinical testing. Allele origin: germline.
Comment: This sequence change replaces methionine, which is neutral and non-polar, with isoleucine, which is neutral and non-polar, at codon 1609 of the SCN2A protein (p.Met1609Ile). This variant is not present in population databases (gnomAD no frequency). This variant has not been reported in the literature in individuals affected with SCN2A-related conditions. ClinVar contains an entry for this variant (Variation ID: 1445847). Advanced modeling of protein sequence and biophysical properties (such as structural, functional, and spatial information, amino acid conservation, physicochemical variation, residue mobility, and thermodynamic stability) has been performed at Invitae for this missense variant, however the output from this modeling did not meet the statistical confidence thresholds required to predict the impact of this variant on SCN2A protein function. In summary, the available evidence is currently insufficient to determine the role of this variant in disease. Therefore, it has been classified as a Variant of Uncertain Significance.

NM_001040142.2(SCN2A):c.4827G>A (p.Met1609Ile)

Gene: SCN2A (sodium voltage-gated channel alpha subunit 2; plus strand). Cytogenetic location: 2q24.3.
Variant type: single nucleotide variant.
Coding change: c.4827G>A on transcript NM_001040142.2 (MANE Select); coding-DNA position 4827, G replaced by A.
Protein change: p.Met1609Ile; replaces methionine 1609 with isoleucine.
Molecular consequence: missense variant.
Genome position (GRCh38, 1-based): chr2:165,388,633, G>A. VCF-style: chr2-165388633-G-A. GRCh37 (hg19) VCF-style: chr2-166245143-G-A.
Other names: c.4827G>A, p.Met1609Ile (NM_021007.3, NM_001040143.2, NM_001371246.1 and 1 more transcripts); short protein forms M1609I.
Identifiers: ClinVar variation 1445847 (VCV001445847.6), dbSNP rs2105402003, ClinGen allele CA349037495.